The following is an entry in ClinVar:

ClinVar aggregate classification (germline): Conflicting classifications of pathogenicity. Review status: criteria provided, conflicting classifications (1 of 4 stars). 3 submissions from 3 submitters: Uncertain significance (2); Likely benign (1). Last evaluated 2023-04-25.

Conditions:
Emery-Dreifuss muscular dystrophy 5, autosomal dominant (EDMD5). Also called: EMERY-DREIFUSS MUSCULAR DYSTROPHY 5. Identifiers: Orphanet 261, MedGen C2751805, MONDO:0013072, OMIM 612999.

Allele frequency attached by ClinVar (database versions not stated): gnomAD 0.00001 and 0.00003; gnomAD exomes 0.00002 and 0.00004; TOPMed 0.00004; ExAC 0.00005; 1000 Genomes Project 0.00040; 1000 Genomes Project 30x 0.00047.
gnomAD v4.1: 27 of 1,614,136 alleles (0.0017%); highest among the groups gnomAD compares: East Asian, 0.0067%; no homozygotes.

Submissions (3):

Ambry Genetics
Classification: Likely benign. Last evaluated: 2023-04-25. Review status: criteria provided, single submitter. Criteria: Ambry Variant Classification Scheme 2023. Collection method: clinical testing. Allele origin: germline.

Labcorp Genetics (formerly Invitae), Labcorp
Classification: Uncertain significance for Emery-Dreifuss muscular dystrophy 5, autosomal dominant. Last evaluated: 2021-11-03. Review status: criteria provided, single submitter. Criteria: Invitae Variant Classification Sherloc (09022015). Collection method: clinical testing. Allele origin: germline.
Comment: Algorithms developed to predict the effect of missense changes on protein structure and function output the following: SIFT: "Tolerated"; PolyPhen-2: "Benign"; Align-GVGD: "Class C0". The glutamine amino acid residue is found in multiple mammalian species, which suggests that this missense change does not adversely affect protein function. This variant has not been reported in the literature in individuals affected with SYNE2-related conditions. This variant is present in population databases (rs188252400, gnomAD 0.02%). This sequence change replaces arginine, which is basic and polar, with glutamine, which is neutral and polar, at codon 4688 of the SYNE2 protein (p.Arg4688Gln). In summary, the available evidence is currently insufficient to determine the role of this variant in disease. Therefore, it has been classified as a Variant of Uncertain Significance.

Revvity Omics, Revvity
Classification: Uncertain significance for Emery-Dreifuss muscular dystrophy 5, autosomal dominant. Last evaluated: 2019-04-24. Review status: criteria provided, single submitter. Criteria: ACMG Guidelines, 2015. Collection method: clinical testing. Allele origin: germline.

NM_182914.3(SYNE2):c.14063G>A (p.Arg4688Gln)

Gene: SYNE2 (spectrin repeat containing nuclear envelope protein 2; plus strand). Cytogenetic location: 14q23.2.
Variant type: single nucleotide variant.
Coding change: c.14063G>A on transcript NM_182914.3 (MANE Select); coding-DNA position 14063, G replaced by A.
Protein change: p.Arg4688Gln; replaces arginine 4688 with glutamine.
Molecular consequence: missense variant.
Genome position (GRCh38, 1-based): chr14:64,129,825, G>A. VCF-style: chr14-64129825-G-A. GRCh37 (hg19) VCF-style: chr14-64596543-G-A.
Other names: c.14063G>A (NM_182914.2); c.14063G>A, p.Arg4688Gln (NM_015180.6); short protein forms R4688Q.
Identifiers: ClinVar variation 1353999 (VCV001353999.10), dbSNP rs188252400, ClinGen allele CA7222673.
Genomic context (GRCh38, chr14:64,129,825, plus strand): 5'-TATTGTCTCTCACTTAGAAAGCAGATGCATATACAGTGGAGCTGGAGAACGCCGAGAGCC[G>A]AGTGGCCAAACTAAGAGATGAAGGGGAGAGGCTTCATTTACCTTATGCTTTACTCCAGGA-3'
Protein context (NP_878918.2, residues 4678-4698): YTVELENAES[Arg4688Gln]VAKLRDEGER